The following is an entry in ClinVar:

NM_005993.5(TBCD):c.2039-10_2039-9insC

Genes: TBCD (tubulin folding cofactor D), LOC126862673 (CDK7 strongly-dependent group 2 enhancer GRCh37_chr17:80877734-80878933; plus strand). Cytogenetic location: 17q25.3.
Variant type: Insertion.
Coding change: c.2039-10_2039-9insC on transcript NM_005993.5 (MANE Select); 10 bases into the intron before coding-DNA position 2039 through 9 bases into the intron before coding-DNA position 2039, C inserted.
Molecular consequence: intron variant.
Genome position: GRCh38 VCF-style: chr17-82920546-T-TC. GRCh37 (hg19) VCF-style: chr17-80878422-T-TC.
Other names: c.1958-10_1958-9insC (NM_001411102.1); c.1988-10_1988-9insC (NM_001411101.1); c.2039-10_2039-9insC (NM_005993.4).
Identifiers: ClinVar variation 2912086 (VCV002912086.6), dbSNP rs2061357936, ClinGen allele CA627836476.
Genomic context (GRCh38, chr17:82,920,546, plus strand): 5'-AGGCAAGCCGCTGTGGCAGGCGCTTTTAGAAAAGTAACATTGCGTCTATCCTTTTTTTTT[T>TC]TTTTTCCAGTGTGTGTTTTAATAGAAAAGTTGTCACTTTCCAAAATGCCCTTTAGAGGTG-3'

ClinVar aggregate classification (germline): Likely benign. Review status: criteria provided, multiple submitters, no conflicts (2 of 4 stars). 3 submissions from 3 submitters: Likely benign (2). 1 of the submissions does not count toward it. Last evaluated 2024-02-06.

Conditions:
TBCD-related disorder. Also called: TBCD-related condition.

Allele frequency attached by ClinVar (database versions not stated): gnomAD 0.00001; gnomAD exomes 0.00001.

Submissions (3):

Labcorp Genetics (formerly Invitae), Labcorp
Classification: Likely benign. Last evaluated: 2024-02-06. Review status: criteria provided, single submitter. Criteria: Invitae Variant Classification Sherloc (09022015). Collection method: clinical testing. Allele origin: germline.

Blueprint Genetics
Classification: Likely benign. Last evaluated: 2023-11-01. Review status: criteria provided, single submitter. Criteria: ACMG Guidelines, 2015. Collection method: clinical testing. Allele origin: germline.

PreventionGenetics, part of Exact Sciences
Classification: Likely benign for TBCD-related condition. Last evaluated: 2019-05-30. Review status: no assertion criteria provided. Collection method: clinical testing. Allele origin: germline. Not counted in ClinVar's aggregate classification.
Comment: This variant is classified as likely benign based on ACMG/AMP sequence variant interpretation guidelines (Richards et al. 2015 PMID: 25741868, with internal and published modifications).